The following is an entry in ClinVar:

ClinVar aggregate classification (germline): Conflicting classifications of pathogenicity. Review status: criteria provided, conflicting classifications (1 of 4 stars). 8 submissions from 8 submitters: Uncertain significance (5); Likely benign (2). 1 of the submissions does not count toward it. Last evaluated 2026-08-01.

Conditions:
Ullrich congenital muscular dystrophy 2 (UCMD2). Identifiers: Orphanet 75840, MedGen C4225314, MONDO:0014654, OMIM 616470.
Bethlem myopathy 2 (BTHLM2). Identifiers: Orphanet 536516, Orphanet 610, MedGen C4225313, MONDO:0034022, OMIM 616471.

Allele frequency attached by ClinVar (database versions not stated): ESP Exome Variant Server 0.00017; ExAC 0.00019; TOPMed 0.00021; gnomAD exomes 0.00023 and 0.00028; gnomAD 0.00042.
gnomAD v4.1: 398 of 1,614,000 alleles (0.025%); highest among the groups gnomAD compares: Non-Finnish European, 0.027%; no homozygotes.

Submissions (8):

CeGaT Center for Human Genetics Tuebingen
Classification: Uncertain significance. Last evaluated: 2026-08-01. Review status: criteria provided, single submitter. Criteria: CeGaT Center For Human Genetics Tuebingen Variant Classification Criteria Version 2. Collection method: clinical testing. Allele origin: germline. Affected: yes. Observed: 4 variant alleles.
Comment: COL12A1: PM2

Women's Health and Genetics/Laboratory Corporation of America, LabCorp
Classification: Uncertain significance. Last evaluated: 2026-02-09. Review status: criteria provided, single submitter. Criteria: LabCorp Variant Classification Summary - May 2015. Collection method: clinical testing. Allele origin: germline.
Comment: Variant summary: COL12A1 c.8831C>T (p.Pro2944Leu) results in a non-conservative amino acid change in the encoded protein sequence. Algorithms developed to predict the effect of missense changes on protein structure and function all suggest that this variant is likely to be disruptive. The variant allele was found at a frequency of 0.00028 in 249360 control chromosomes. This frequency is not significantly higher than estimated for disease-causing variants in COL12A1, allowing no conclusion about variant significance. To our knowledge, no occurrence of c.8831C>T in individuals affected with COL12A1-related conditions and no experimental evidence demonstrating its impact on protein function have been reported. ClinVar contains an entry for this variant (Variation ID: 569459). Based on the evidence outlined above, the variant was classified as uncertain significance.

Labcorp Genetics (formerly Invitae), Labcorp
Classification: Likely benign for Bethlem myopathy 2; Ullrich congenital muscular dystrophy 2. Last evaluated: 2026-01-17. Review status: criteria provided, single submitter. Criteria: Invitae Variant Classification Sherloc (09022015). Collection method: clinical testing. Allele origin: germline.

GeneDx
Classification: Uncertain significance. Last evaluated: 2025-10-06. Review status: criteria provided, single submitter. Criteria: GeneDx Variant Classification Process June 2021. Collection method: clinical testing. Allele origin: germline. Affected: yes.
Comment: Has not been previously published as pathogenic or benign to our knowledge; In silico analysis supports that this missense variant has a deleterious effect on protein structure/function

Mayo Clinic Laboratories, Mayo Clinic
Classification: Uncertain significance. Last evaluated: 2025-09-25. Review status: criteria provided, single submitter. Criteria: ACMG Guidelines, 2015. Collection method: clinical testing. Allele origin: germline. Observed: 3 variant alleles.
Comment: BS1

Revvity Omics, Revvity
Classification: Likely benign. Last evaluated: 2024-02-27. Review status: criteria provided, single submitter. Criteria: ACMG Guidelines, 2015. Collection method: clinical testing. Allele origin: germline.

Department of Pathology and Laboratory Medicine, Sinai Health System
Classification: Uncertain significance for Bethlem myopathy 2. Last evaluated: 2022-01-12. Review status: criteria provided, single submitter. Criteria: ACMG Guidelines, 2015. Collection method: research. Allele origin: germline.

Clinical Genetics Laboratory, University Hospital Schleswig-Holstein
Classification: Uncertain significance for Bethlem myopathy 2. Last evaluated: 2021-08-31. Review status: no assertion criteria provided. Collection method: clinical testing. Allele origin: germline. Affected: yes. Not counted in ClinVar's aggregate classification.

NM_004370.6(COL12A1):c.8831C>T (p.Pro2944Leu)

Gene: COL12A1 (collagen type XII alpha 1 chain; minus strand). Cytogenetic location: 6q13.
Variant type: single nucleotide variant.
Coding change: c.8831C>T on transcript NM_004370.6 (MANE Select); coding-DNA position 8831, C replaced by T.
Protein change: p.Pro2944Leu; replaces proline 2944 with leucine.
Molecular consequence: missense variant.
Genome position (GRCh38, 1-based): chr6:75,090,220, G>A on the plus strand (C>T on the coding strand, the complement: COL12A1 is on the minus strand). VCF-style: chr6-75090220-G-A. GRCh37 (hg19) VCF-style: chr6-75799936-G-A.
Other names: p.Pro2944Leu; c.5339C>T, p.Pro1780Leu (NM_080645.3); short protein forms P2944L, P1780L.
Identifiers: ClinVar variation 569459 (VCV000569459.65), dbSNP rs199702595, ClinGen allele CA3892100.
Genomic context (GRCh38, chr6:75,090,220, plus strand): 5'-CGCCCCCCAGGCCCAGGTTCTCCTCTGGCTCCTGCGCTACCAGGAGGTCCCGGTGGACCC[G>A]GCGGGCCTGGCTGGTTGCGACTGGACTGGTAATCATTTGGAATCTGATTCAGCATCTGAT-3'
Protein context (NP_004361.3, residues 2934-2954): YQSSRNQPGP[Pro2944Leu]GPPGPPGSAG